The following is an entry in ClinVar:

ClinVar aggregate classification (germline): Likely benign (1 of 4 stars; one submission).

gnomAD v4.1: 15 of 1,469,914 alleles (0.001%); highest among the groups gnomAD compares: South Asian, 0.02%; no homozygotes.

Submission:

CeGaT Center for Human Genetics Tuebingen
Classification: Likely benign. Last evaluated: 2025-07-01. Review status: criteria provided, single submitter. Criteria: CeGaT Center For Human Genetics Tuebingen Variant Classification Criteria Version 2. Collection method: clinical testing. Allele origin: germline. Affected: yes. Observed: 1 variant allele.
Comment: SPTBN4: BP4, BP7

NM_020971.3(SPTBN4):c.3612C>T (p.Phe1204=)

Gene: SPTBN4 (spectrin beta, non-erythrocytic 4; plus strand). Cytogenetic location: 19q13.2.
Variant type: single nucleotide variant.
Coding change: c.3612C>T on transcript NM_020971.3 (MANE Select); coding-DNA position 3612, C replaced by T.
Protein change: p.Phe1204=; no amino-acid change (phenylalanine 1204 retained).
Molecular consequence: synonymous variant.
Genome position (GRCh38, 1-based): chr19:40,520,109, C>T. VCF-style: chr19-40520109-C-T. GRCh37 (hg19) VCF-style: chr19-41026016-C-T.
Identifiers: ClinVar variation 4084888 (VCV004084888.8).
Genomic context (GRCh38, chr19:40,520,109, plus strand): 5'-GCTCGGCTTGTGGGAGGCGCGCAGGGAGGCGCTGGTCCAGGCGCACATCTACCAGCTCTT[C>T]CTGCGGGATCTACGCCAGGCGCTCGTGGTGCTGCGTAACCAGGTGCCCACTCGGGGTGTA-3'
Protein context (NP_066022.2, residues 1194-1214): ALVQAHIYQL[Phe1204=]LRDLRQALVV